The following is an entry in ClinVar:

ClinVar aggregate classification (germline): Uncertain significance. Review status: criteria provided, multiple submitters, no conflicts (2 of 4 stars). 3 submissions from 3 submitters: Uncertain significance (3). Last evaluated 2025-08-30.

Conditions:
MYO5B-related disorder. Also called: MYO5B-related condition.
Inborn genetic diseases. Identifiers: MedGen C0950123, MeSH D030342.

Allele frequency attached by ClinVar (database versions not stated): gnomAD 0.00001; ExAC 0.00002; TOPMed 0.00002; gnomAD exomes 0.00003.
gnomAD v4.1: 21 of 1,613,850 alleles (0.0013%); highest among the groups gnomAD compares: East Asian, 0.013%; 1 homozygote.

Submissions (3):

Labcorp Genetics (formerly Invitae), Labcorp
Classification: Uncertain significance. Last evaluated: 2025-08-30. Review status: criteria provided, single submitter. Criteria: Invitae Variant Classification Sherloc (09022015). Collection method: clinical testing. Allele origin: germline.
Comment: This sequence change replaces valine, which is neutral and non-polar, with isoleucine, which is neutral and non-polar, at codon 1703 of the MYO5B protein (p.Val1703Ile). The frequency data for this variant in the population databases is considered unreliable, as metrics indicate poor data quality at this position in the gnomAD database. This variant has not been reported in the literature in individuals affected with MYO5B-related conditions. ClinVar contains an entry for this variant (Variation ID: 2712321). Invitae Evidence Modeling of protein sequence and biophysical properties (such as structural, functional, and spatial information, amino acid conservation, physicochemical variation, residue mobility, and thermodynamic stability) indicates that this missense variant is not expected to disrupt MYO5B protein function with a negative predictive value of 80%. In summary, the available evidence is currently insufficient to determine the role of this variant in disease. Therefore, it has been classified as a Variant of Uncertain Significance.

PreventionGenetics, part of Exact Sciences
Classification: Uncertain significance for MYO5B-related condition. Last evaluated: 2025-06-30. Review status: criteria provided, single submitter. Criteria: ACMG Guidelines, 2015. Collection method: clinical testing. Allele origin: germline.
Comment: The MYO5B c.5107G>A variant is predicted to result in the amino acid substitution p.Val1703Ile. To our knowledge, this variant has not been reported in the literature. This variant is reported in 0.028% of alleles in individuals of East Asian descent in gnomAD. At this time, the clinical significance of this variant is uncertain due to the absence of conclusive functional and genetic evidence.

Ambry Genetics
Classification: Uncertain significance for Inborn genetic diseases. Last evaluated: 2024-03-18. Review status: criteria provided, single submitter. Criteria: Ambry Variant Classification Scheme 2023. Collection method: clinical testing. Allele origin: germline.

NM_001080467.3(MYO5B):c.5107G>A (p.Val1703Ile)

Genes: MYO5B (myosin VB; minus strand), SNHG22 (small nucleolar RNA host gene 22; plus strand). Cytogenetic location: 18q21.1.
Variant type: single nucleotide variant.
Coding change: c.5107G>A on transcript NM_001080467.3 (MANE Select); coding-DNA position 5107, G replaced by A.
Protein change: p.Val1703Ile; replaces valine 1703 with isoleucine.
Molecular consequence: missense variant.
Genome position (GRCh38, 1-based): chr18:49,837,548, C>T on the plus strand (G>A on the coding strand, the complement: MYO5B is on the minus strand). VCF-style: chr18-49837548-C-T. GRCh37 (hg19) VCF-style: chr18-47363918-C-T.
Other names: c.5107G>A (NM_001080467.2); short protein forms V1703I.
Identifiers: ClinVar variation 2712321 (VCV002712321.4), dbSNP rs748864584, ClinGen allele CA8960144.
Genomic context (GRCh38, chr18:49,837,548, plus strand): 5'-TGTGTTGTTGGGGGGTGCTCCTCCCTTACCTGAGTTGCATGCCTGTGCTCCAAGAGCAGA[C>T]GTCCTTCCGCAAGAGCAGGTTGTTAAGAGTCACTGCGTTGATCATGTAGAAGAGCTGTTT-3'
Protein context (NP_001073936.1, residues 1693-1713): TLNNLLLRKD[Val1703Ile]CSWSTGMQLR